The following is an entry in ClinVar:

NM_015650.4(TRAF3IP1):c.1330A>T (p.Thr444Ser)

Gene: TRAF3IP1 (TRAF3 interacting protein 1; plus strand). Cytogenetic location: 2q37.3.
Variant type: single nucleotide variant.
Coding change: c.1330A>T on transcript NM_015650.4 (MANE Select); coding-DNA position 1330, A replaced by T.
Protein change: p.Thr444Ser; replaces threonine 444 with serine.
Molecular consequence: missense variant.
Genome position (GRCh38, 1-based): chr2:238,348,811, A>T. VCF-style: chr2-238348811-A-T. GRCh37 (hg19) VCF-style: chr2-239257452-A-T.
Other names: c.1132A>T, p.Thr378Ser (NM_001139490.1); short protein forms T444S, T378S.
Identifiers: ClinVar variation 1507531 (VCV001507531.4), dbSNP rs1200493089, ClinGen allele CA351232118.

ClinVar aggregate classification (germline): Uncertain significance (1 of 4 stars; one submission).

Allele frequency attached by ClinVar (database versions not stated): gnomAD exomes below 0.00001; TOPMed below 0.00001; gnomAD 0.00001.
gnomAD v4.1: 8 of 1,613,954 alleles (0.0005%); highest among the groups gnomAD compares: Non-Finnish European, 0.00068%; no homozygotes.

Submission:

Labcorp Genetics (formerly Invitae), Labcorp
Classification: Uncertain significance. Last evaluated: 2025-04-16. Review status: criteria provided, single submitter. Criteria: Invitae Variant Classification Sherloc (09022015). Collection method: clinical testing. Allele origin: germline.
Comment: This sequence change replaces threonine, which is neutral and polar, with serine, which is neutral and polar, at codon 444 of the TRAF3IP1 protein (p.Thr444Ser). This variant is not present in population databases (gnomAD no frequency). This variant has not been reported in the literature in individuals affected with TRAF3IP1-related conditions. ClinVar contains an entry for this variant (Variation ID: 1507531). Invitae Evidence Modeling of protein sequence and biophysical properties (such as structural, functional, and spatial information, amino acid conservation, physicochemical variation, residue mobility, and thermodynamic stability) indicates that this missense variant is not expected to disrupt TRAF3IP1 protein function with a negative predictive value of 80%. In summary, the available evidence is currently insufficient to determine the role of this variant in disease. Therefore, it has been classified as a Variant of Uncertain Significance.